The following is an entry in ClinVar:

ClinVar aggregate classification (germline): Likely benign. Review status: criteria provided, multiple submitters, no conflicts (2 of 4 stars). 3 submissions from 3 submitters: Likely benign (3). Last evaluated 2025-09-06.

Conditions:
Hereditary spastic paraplegia 50 (SPG50). Also called: Spastic paraplegia 50, autosomal recessive. Identifiers: Orphanet 280763, MedGen C2752008, MONDO:0013048, OMIM 612936.

Allele frequency attached by ClinVar (database versions not stated): ExAC 0.00010; 1000 Genomes Project 30x 0.00016; 1000 Genomes Project 0.00020; TOPMed 0.00039.
gnomAD v4.1: 105 of 1,613,046 alleles (0.0065%); highest among the groups gnomAD compares: Admixed American, 0.042%; no homozygotes.

Submissions (3):

Labcorp Genetics (formerly Invitae), Labcorp
Classification: Likely benign for Hereditary spastic paraplegia 50. Last evaluated: 2025-09-06. Review status: criteria provided, single submitter. Criteria: Invitae Variant Classification Sherloc (09022015). Collection method: clinical testing. Allele origin: germline.

Blueprint Genetics
Classification: Likely benign. Last evaluated: 2023-08-04. Review status: criteria provided, single submitter. Criteria: ACMG Guidelines, 2015. Collection method: clinical testing. Allele origin: germline.

CeGaT Center for Human Genetics Tuebingen
Classification: Likely benign. Last evaluated: 2022-08-01. Review status: criteria provided, single submitter. Criteria: CeGaT Center For Human Genetics Tuebingen Variant Classification Criteria Version 2. Collection method: clinical testing. Allele origin: germline. Affected: yes. Observed: 1 variant allele.
Comment: AP4M1: BP4, BP7

NM_004722.4(AP4M1):c.519C>T (p.Pro173=)

Gene: AP4M1 (adaptor related protein complex 4 subunit mu 1; plus strand). Cytogenetic location: 7q22.1.
Variant type: single nucleotide variant.
Coding change: c.519C>T on transcript NM_004722.4 (MANE Select); coding-DNA position 519, C replaced by T.
Protein change: p.Pro173=; no amino-acid change (proline 173 retained).
Molecular consequence: synonymous variant.
Genome position (GRCh38, 1-based): chr7:100,103,668, C>T. VCF-style: chr7-100103668-C-T. GRCh37 (hg19) VCF-style: chr7-99701291-C-T.
Other names: c.540C>T, p.Pro180= (NM_001363671.2).
Identifiers: ClinVar variation 696664 (VCV000696664.34), dbSNP rs551112932, ClinGen allele CA4374645.